The following is an entry in ClinVar:

ClinVar aggregate classification (germline): Conflicting classifications of pathogenicity. Review status: criteria provided, conflicting classifications (1 of 4 stars). 3 submissions from 3 submitters: Uncertain significance (2); Likely benign (1). Last evaluated 2025-06-14.

Conditions:
Pyruvate carboxylase deficiency. Also called: Pyruvate Carboxylase Deficiency Disease; ATAXIA WITH LACTIC ACIDOSIS II; LEIGH NECROTIZING ENCEPHALOPATHY DUE TO PYRUVATE CARBOXYLASE DEFICIENCY; LEIGH SYNDROME DUE TO PYRUVATE CARBOXYLASE DEFICIENCY; PC DEFICIENCY. Identifiers: Orphanet 3008, MedGen C0034341, MONDO:0009949, OMIM 266150.

Allele frequency attached by ClinVar (database versions not stated): gnomAD exomes 0.00001 and 0.00003; ExAC 0.00005; ESP Exome Variant Server 0.00008; gnomAD 0.00011; 1000 Genomes Project 30x 0.00016; 1000 Genomes Project 0.00020; TOPMed 0.00033.
gnomAD v4.1: 40 of 1,614,068 alleles (0.0025%); highest among the groups gnomAD compares: Admixed American, 0.037%; no homozygotes.

Submissions (3):

Labcorp Genetics (formerly Invitae), Labcorp
Classification: Likely benign for Pyruvate carboxylase deficiency. Last evaluated: 2025-06-14. Review status: criteria provided, single submitter. Criteria: Invitae Variant Classification Sherloc (09022015). Collection method: clinical testing. Allele origin: germline.

Baylor Genetics
Classification: Uncertain significance for Pyruvate carboxylase deficiency. Last evaluated: 2023-12-18. Review status: criteria provided, single submitter. Criteria: ACMG Guidelines, 2015. Collection method: clinical testing. Allele origin: unknown.

GeneDx
Classification: Uncertain significance. Last evaluated: 2021-04-15. Review status: criteria provided, single submitter. Criteria: GeneDx Variant Classification Process June 2021. Collection method: clinical testing. Allele origin: germline. Affected: yes.
Comment: Not observed at a significant frequency in large population cohorts (Lek et al., 2016); In silico analysis supports that this missense variant has a deleterious effect on protein structure/function; Has not been previously published as pathogenic or benign to our knowledge

NM_001040716.2(PC):c.1771G>A (p.Ala591Thr)

Gene: PC (pyruvate carboxylase; minus strand). Cytogenetic location: 11q13.2.
Variant type: single nucleotide variant.
Coding change: c.1771G>A on transcript NM_001040716.2 (MANE Select); coding-DNA position 1771, G replaced by A.
Protein change: p.Ala591Thr; replaces alanine 591 with threonine.
Molecular consequence: missense variant.
Genome position (GRCh38, 1-based): chr11:66,852,493, C>T on the plus strand (G>A on the coding strand, the complement: PC is on the minus strand). VCF-style: chr11-66852493-C-T. GRCh37 (hg19) VCF-style: chr11-66619964-C-T.
Other names: c.1771G>A, p.Ala591Thr (NM_000920.4, NM_022172.3); short protein forms A591T.
Identifiers: ClinVar variation 964921 (VCV000964921.7), dbSNP rs139795235, ClinGen allele CA6131274.
Genomic context (GRCh38, chr11:66,852,493, plus strand): 5'-GCCTACCTCCCCAGTTCTCCATGCTGAAGAGCTTGCTGAAGTTGTGGGCAACATAGGGGG[C>T]GATCTTTTTGAGATCGTGGGTGCGCACACGAGTGGCCAGCAGTGACTGGTGGGCGTCCCT-3'
Protein context (NP_001035806.1, residues 581-601): RVRTHDLKKI[Ala591Thr]PYVAHNFSKL